The following is an entry in ClinVar:

ClinVar aggregate classification (germline): Uncertain significance (1 of 4 stars; one submission).

Conditions:
Leber congenital amaurosis 6 (LCA6). Identifiers: Orphanet 65, MedGen C1854260, MONDO:0013446, OMIM 613826.
Cone-rod dystrophy 13 (CORD13). Identifiers: Orphanet 1872, MedGen C2750720, MONDO:0011987, OMIM 608194.

Allele frequency attached by ClinVar (database versions not stated): gnomAD exomes below 0.00001 and 0.00002; ExAC 0.00004; TOPMed 0.00005; gnomAD 0.00009 and 0.00008; 1000 Genomes Project 30x 0.00031; 1000 Genomes Project 0.00040; ESP Exome Variant Server 0.00008.
gnomAD v4.1: 19 of 1,613,662 alleles (0.0012%); highest among the groups gnomAD compares: African/African-American, 0.024%; no homozygotes.

Submission:

Labcorp Genetics (formerly Invitae), Labcorp
Classification: Uncertain significance for Leber congenital amaurosis 6; Cone-rod dystrophy 13. Last evaluated: 2022-09-01. Review status: criteria provided, single submitter. Criteria: Invitae Variant Classification Sherloc (09022015). Collection method: clinical testing. Allele origin: germline.
Comment: In summary, the available evidence is currently insufficient to determine the role of this variant in disease. Therefore, it has been classified as a Variant of Uncertain Significance. Algorithms developed to predict the effect of missense changes on protein structure and function output the following: SIFT: "Tolerated"; PolyPhen-2: "Benign"; Align-GVGD: "Class C0". The serine amino acid residue is found in multiple mammalian species, which suggests that this missense change does not adversely affect protein function. ClinVar contains an entry for this variant (Variation ID: 939146). This variant has not been reported in the literature in individuals affected with RPGRIP1-related conditions. This variant is present in population databases (rs373415938, gnomAD 0.03%). This sequence change replaces asparagine, which is neutral and polar, with serine, which is neutral and polar, at codon 551 of the RPGRIP1 protein (p.Asn551Ser).

NM_020366.4(RPGRIP1):c.1652A>G (p.Asn551Ser)

Gene: RPGRIP1 (RPGR interacting protein 1; plus strand). Cytogenetic location: 14q11.2.
Variant type: single nucleotide variant.
Coding change: c.1652A>G on transcript NM_020366.4 (MANE Select); coding-DNA position 1652, A replaced by G.
Protein change: p.Asn551Ser; replaces asparagine 551 with serine.
Molecular consequence: missense variant.
Genome position (GRCh38, 1-based): chr14:21,321,894, A>G. VCF-style: chr14-21321894-A-G. GRCh37 (hg19) VCF-style: chr14-21790053-A-G.
Other names: c.578A>G, p.Asn193Ser (NM_001377523.1, NM_001377948.1, NM_001377949.1 and 1 more transcripts); c.80A>G, p.Asn27Ser (NM_001377951.1); short protein forms N27S, N193S, N551S.
Identifiers: ClinVar variation 939146 (VCV000939146.8), dbSNP rs373415938, ClinGen allele CA7089044.